The following is an entry in ClinVar:

ClinVar aggregate classification (germline): Pathogenic (1 of 4 stars; one submission).

Conditions:
Hereditary breast ovarian cancer syndrome. Also called: Hereditary breast and/or ovarian cancer syndrome; Hereditary breast and ovarian cancer syndrome (HBOC); Breast and ovarian cancer; Hereditary breast and ovarian cancer; BRCA1- and BRCA2-Associated Hereditary Breast and Ovarian Cancer; Hereditary breast and ovarian cancer syndrome. Identifiers: Orphanet 145, MedGen C0677776, MeSH D061325, MONDO:0003582. Disease mechanism: loss of function.

Submission:

Labcorp Genetics (formerly Invitae), Labcorp
Classification: Pathogenic for Hereditary breast ovarian cancer syndrome. Last evaluated: 2023-10-31. Review status: criteria provided, single submitter. Criteria: Invitae Variant Classification Sherloc (09022015). Collection method: clinical testing. Allele origin: germline.
Comment: This variant is a gross deletion of the genomic region encompassing exon(s) 27 of the BRCA2 gene, which includes the termination codon. This deletion extends beyond the assayed region for this gene and therefore may encompass additional genes. While this deletion is not anticipated to lead to nonsense mediated decay, it is expected to alter mRNA translation or result in a truncated protein product. A similar copy number variant has been observed in individual(s) with breast cancer and colon polyps (PMID: 26681312). This variant disrupts a region of the BRCA2 protein in which other variant(s) (p.Tyr3308*) have been determined to be pathogenic (PMID: 17026620, 18593900, 18607349, 22711857). This suggests that this is a clinically significant region of the protein, and that variants that disrupt it are likely to be disease-causing. For these reasons, this variant has been classified as Pathogenic.

Literature cited by the submitters: PubMed 26681312; PubMed 17026620; PubMed 18593900; PubMed 18607349; PubMed 22711857.

NC_000013.11:g.(?_32398142)_(32398770_?)del

Gene: BRCA2 (BRCA2 DNA repair associated; plus strand). Cytogenetic location: 13q13.1.
Variant type: Deletion.
Identifiers: ClinVar variation 831521 (VCV000831521.10).